The following is an entry in ClinVar:

NM_003051.4(SLC16A1):c.1049C>G (p.Ser350Cys)

Gene: SLC16A1 (solute carrier family 16 member 1; minus strand). Cytogenetic location: 1p13.2.
Variant type: single nucleotide variant.
Coding change: c.1049C>G on transcript NM_003051.4 (MANE Select); coding-DNA position 1049, C replaced by G.
Protein change: p.Ser350Cys; replaces serine 350 with cysteine.
Molecular consequence: missense variant.
Genome position (GRCh38, 1-based): chr1:112,917,357, G>C on the plus strand (C>G on the coding strand, the complement: SLC16A1 is on the minus strand). VCF-style: chr1-112917357-G-C. GRCh37 (hg19) VCF-style: chr1-113459979-G-C.
Other names: c.1049C>G, p.Ser350Cys (NM_001166496.2); short protein forms S350C.
Identifiers: ClinVar variation 2976336 (VCV002976336.3), dbSNP rs1205900934, ClinGen allele CA341827644.

ClinVar aggregate classification (germline): Uncertain significance (1 of 4 stars; one submission).

Allele frequency attached by ClinVar (database versions not stated): gnomAD exomes below 0.00001; TOPMed 0.00001.
gnomAD v4.1: 1 of 1,614,204 alleles (0.000062%); highest among the groups gnomAD compares: African/African-American, 0.0013%; no homozygotes.

Submission:

Labcorp Genetics (formerly Invitae), Labcorp
Classification: Uncertain significance. Last evaluated: 2024-10-23. Review status: criteria provided, single submitter. Criteria: Invitae Variant Classification Sherloc (09022015). Collection method: clinical testing. Allele origin: germline.
Comment: This sequence change replaces serine, which is neutral and polar, with cysteine, which is neutral and slightly polar, at codon 350 of the SLC16A1 protein (p.Ser350Cys). This variant is not present in population databases (gnomAD no frequency). This variant has not been reported in the literature in individuals affected with SLC16A1-related conditions. An algorithm developed to predict the effect of missense changes on protein structure and function (PolyPhen-2) suggests that this variant is likely to be tolerated. In summary, the available evidence is currently insufficient to determine the role of this variant in disease. Therefore, it has been classified as a Variant of Uncertain Significance.